The following is an entry in ClinVar:

NM_001254.4(CDC6):c.1487A>T (p.Gln496Leu)

Gene: CDC6 (cell division cycle 6; plus strand). Cytogenetic location: 17q21.2.
Variant type: single nucleotide variant.
Coding change: c.1487A>T on transcript NM_001254.4 (MANE Select); coding-DNA position 1487, A replaced by T.
Protein change: p.Gln496Leu; replaces glutamine 496 with leucine.
Molecular consequence: missense variant.
Genome position (GRCh38, 1-based): chr17:40,301,502, A>T. VCF-style: chr17-40301502-A-T. GRCh37 (hg19) VCF-style: chr17-38457754-A-T.
Other names: c.1487A>T (NM_001254.3); short protein forms Q496L.
Identifiers: ClinVar variation 3710772 (VCV003710772.3).

ClinVar aggregate classification (germline): Uncertain significance. Review status: criteria provided, multiple submitters, no conflicts (2 of 4 stars). 2 submissions from 2 submitters: Uncertain significance (2). Last evaluated 2025-08-01.

gnomAD v4.1: 50 of 1,614,036 alleles (0.0031%); highest among the groups gnomAD compares: South Asian, 0.051%; 1 homozygote.

Submissions (2):

Ambry Genetics
Classification: Uncertain significance. Last evaluated: 2025-08-01. Review status: criteria provided, single submitter. Criteria: Ambry Variant Classification Scheme 2023. Collection method: clinical testing. Allele origin: germline.

Labcorp Genetics (formerly Invitae), Labcorp
Classification: Uncertain significance. Last evaluated: 2025-04-08. Review status: criteria provided, single submitter. Criteria: Invitae Variant Classification Sherloc (09022015). Collection method: clinical testing. Allele origin: germline.
Comment: This sequence change replaces glutamine, which is neutral and polar, with leucine, which is neutral and non-polar, at codon 496 of the CDC6 protein (p.Gln496Leu). This variant is present in population databases (rs544050407, gnomAD 0.06%), and has an allele count higher than expected for a pathogenic variant. This variant has not been reported in the literature in individuals affected with CDC6-related conditions. ClinVar contains an entry for this variant (Variation ID: 3710772). An algorithm developed to predict the effect of missense changes on protein structure and function (PolyPhen-2) suggests that this variant is likely to be disruptive. In summary, the available evidence is currently insufficient to determine the role of this variant in disease. Therefore, it has been classified as a Variant of Uncertain Significance.